The following is an entry in ClinVar:

NM_001972.4(ELANE):c.277G>C (p.Glu93Gln)

Gene: ELANE (elastase, neutrophil expressed; plus strand). Cytogenetic location: 19p13.3.
Variant type: single nucleotide variant.
Coding change: c.277G>C on transcript NM_001972.4 (MANE Select); coding-DNA position 277, G replaced by C.
Protein change: p.Glu93Gln; replaces glutamic acid 93 with glutamine.
Molecular consequence: missense variant.
Genome position (GRCh38, 1-based): chr19:853,314, G>C. VCF-style: chr19-853314-G-C. GRCh37 (hg19) VCF-style: chr19-853314-G-C.
Other names: short protein forms E93Q.
Identifiers: ClinVar variation 4783763 (VCV004783763.1).

ClinVar aggregate classification (germline): Uncertain significance (1 of 4 stars; one submission).

Conditions:
Neutropenia, severe congenital, 1, autosomal dominant. Identifiers: MedGen C1859966, MONDO:0042490, OMIM 202700.
Cyclical neutropenia. Also called: Cyclic Neutropenia; Cyclic hematopoiesis. Identifiers: Orphanet 2686, MedGen C0221023, MONDO:0008090, OMIM 162800, HP:0040289. Disease mechanism: loss of function.

Submission:

Labcorp Genetics (formerly Invitae), Labcorp
Classification: Uncertain significance for Neutropenia, severe congenital, 1, autosomal dominant; Cyclical neutropenia. Last evaluated: 2025-11-28. Review status: criteria provided, single submitter. Criteria: Invitae Variant Classification Sherloc (09022015). Collection method: clinical testing. Allele origin: germline.
Comment: This sequence change replaces glutamic acid, which is acidic and polar, with glutamine, which is neutral and polar, at codon 93 of the ELANE protein (p.Glu93Gln). This variant is not present in population databases (gnomAD no frequency). This variant has not been reported in the literature in individuals affected with ELANE-related conditions. Invitae Evidence Modeling of protein sequence and biophysical properties (such as structural, functional, and spatial information, amino acid conservation, physicochemical variation, residue mobility, and thermodynamic stability) has been performed for this missense variant. However, the output from this modeling did not meet the statistical confidence thresholds required to predict the impact of this variant on ELANE protein function. In summary, the available evidence is currently insufficient to determine the role of this variant in disease. Therefore, it has been classified as a Variant of Uncertain Significance.